The following is an entry in ClinVar:

NM_001130144.3(LTBP3):c.2770G>C (p.Asp924His)

Gene: LTBP3 (latent transforming growth factor beta binding protein 3; minus strand). Cytogenetic location: 11q13.1.
Variant type: single nucleotide variant.
Coding change: c.2770G>C on transcript NM_001130144.3 (MANE Select); coding-DNA position 2770, G replaced by C.
Protein change: p.Asp924His; replaces aspartic acid 924 with histidine.
Molecular consequence: missense variant.
Genome position (GRCh38, 1-based): chr11:65,541,249, C>G on the plus strand (G>C on the coding strand, the complement: LTBP3 is on the minus strand). VCF-style: chr11-65541249-C-G. GRCh37 (hg19) VCF-style: chr11-65308720-C-G.
Other names: c.2419G>C, p.Asp807His (NM_001164266.1); c.2770G>C, p.Asp924His (NM_021070.4); short protein forms D807H, D924H.
Identifiers: ClinVar variation 1963624 (VCV001963624.5), dbSNP rs747201597, ClinGen allele CA6100481.
Genomic context (GRCh38, chr11:65,541,249, plus strand): 5'-AGCAGCACTCCTGCTGGGTCACGTTGGTGGCCAATACGCTGTCGCAGAACACTGTGTCAT[C>G]GAAGTTCAGGTAGCACTCCTTCTTGTGGTGGGGCTGCTCCACCTCTGAGGGGCAGACGGC-3'
Protein context (NP_001123616.1, residues 914-934): HHKKECYLNF[Asp924His]DTVFCDSVLA

ClinVar aggregate classification (germline): Uncertain significance (1 of 4 stars; one submission).

Conditions:
Brachyolmia-amelogenesis imperfecta syndrome. Also called: PLATYSPONDYLY WITH AMELOGENESIS IMPERFECTA; Tooth agenesis, selective, 6; Dental anomalies and short stature. Identifiers: Orphanet 2899, MedGen C1832594, MONDO:0011018, OMIM 601216. Disease mechanism: loss of function.

Allele frequency attached by ClinVar (database versions not stated): gnomAD 0.00001; gnomAD exomes 0.00001; TOPMed below 0.00001; ExAC 0.00001.
gnomAD v4.1: 5 of 1,613,424 alleles (0.00031%); highest among the groups gnomAD compares: Admixed American, 0.0017%; no homozygotes.

Submission:

Labcorp Genetics (formerly Invitae), Labcorp
Classification: Uncertain significance for Brachyolmia-amelogenesis imperfecta syndrome. Last evaluated: 2025-10-07. Review status: criteria provided, single submitter. Criteria: Invitae Variant Classification Sherloc (09022015). Collection method: clinical testing. Allele origin: germline.
Comment: This sequence change replaces aspartic acid, which is acidic and polar, with histidine, which is basic and polar, at codon 924 of the LTBP3 protein (p.Asp924His). This variant is present in population databases (rs747201597, gnomAD 0.003%). This variant has not been reported in the literature in individuals affected with LTBP3-related conditions. ClinVar contains an entry for this variant (Variation ID: 1963624). An algorithm developed to predict the effect of missense changes on protein structure and function (PolyPhen-2) suggests that this variant is likely to be disruptive. In summary, the available evidence is currently insufficient to determine the role of this variant in disease. Therefore, it has been classified as a Variant of Uncertain Significance.